The following is an entry in ClinVar:

ClinVar aggregate classification (germline): Likely pathogenic (1 of 4 stars; one submission).

Conditions:
COL1A2-related disorder. Also called: COL1A2-Related Disorders; COL1A2-related condition.

Submission:

PreventionGenetics, part of Exact Sciences
Classification: Likely pathogenic for COL1A2-related condition. Last evaluated: 2022-09-01. Review status: criteria provided, single submitter. Criteria: ACMG Guidelines, 2015. Collection method: clinical testing. Allele origin: germline.
Comment: The COL1A2 c.2504G>T variant is predicted to result in the amino acid substitution p.Gly835Val. To our knowledge, this variant has not been reported in the literature or in a large population database, indicating this variant is rare. The p.Gly835 amino acid is located in the conserved Gly-Xaa-Yaa triple helical domain where substitutions of a glycine are usually pathogenic (Marini et al. 2007. PubMed ID: 17078022). In addition, a different missense change, p.Gly835Ser (referred to a p.Gly745Ser using legacy nomenclature), has been reported to be causative for osteogenesis imperfecta (Table 1, Zhang. 2019. PubMed ID: 30692697). This variant is interpreted as likely pathogenic.

NM_000089.4(COL1A2):c.2504G>T (p.Gly835Val)

Gene: COL1A2 (collagen type I alpha 2 chain; plus strand). Cytogenetic location: 7q21.3.
Variant type: single nucleotide variant.
Coding change: c.2504G>T on transcript NM_000089.4 (MANE Select); coding-DNA position 2504, G replaced by T.
Protein change: p.Gly835Val; replaces glycine 835 with valine.
Molecular consequence: missense variant.
Genome position (GRCh38, 1-based): chr7:94,423,057, G>T. VCF-style: chr7-94423057-G-T. GRCh37 (hg19) VCF-style: chr7-94052369-G-T.
Other names: short protein forms G835V.
Identifiers: ClinVar variation 2636158 (VCV002636158.1), dbSNP rs2115941300, ClinGen allele CA368224054.